The following is an entry in ClinVar:

ClinVar aggregate classification (germline): Likely benign. Review status: criteria provided, multiple submitters, no conflicts (2 of 4 stars). 2 submissions from 2 submitters: Likely benign (2). Last evaluated 2025-06-29.

Conditions:
Familial cancer of breast. Also called: hereditary breast carcinoma; Hereditary breast cancer; BREAST CANCER, FAMILIAL. Identifiers: Orphanet 227535, MedGen C0346153, MONDO:0016419, OMIM 114480. Disease mechanism: loss of function.

Allele frequency attached by ClinVar (database versions not stated): gnomAD exomes below 0.00001.
gnomAD v4.1: 4 of 1,595,776 alleles (0.00025%); highest among the groups gnomAD compares: Non-Finnish European, 0.00034%; no homozygotes.

Submissions (2):

Labcorp Genetics (formerly Invitae), Labcorp
Classification: Likely benign for Familial cancer of breast. Last evaluated: 2025-06-29. Review status: criteria provided, single submitter. Criteria: Invitae Variant Classification Sherloc (09022015). Collection method: clinical testing. Allele origin: germline.

Myriad Genetics, Inc.
Classification: Likely benign for Familial cancer of breast. Last evaluated: 2024-10-04. Review status: criteria provided, single submitter. Criteria: Myriad Autosomal Dominant, Autosomal Recessive and X-Linked Classification Criteria (2023). Collection method: clinical testing. Allele origin: unknown.
Comment: This variant is considered likely benign. This variant is intronic and is not expected to impact mRNA splicing.

NM_007194.4(CHEK2):c.1096-17T>C

Gene: CHEK2 (checkpoint kinase 2; minus strand). Cytogenetic location: 22q12.1.
Variant type: single nucleotide variant.
Coding change: c.1096-17T>C on transcript NM_007194.4 (MANE Select); 17 bases into the intron before coding-DNA position 1096, T replaced by C.
Molecular consequence: intron variant.
Genome position (GRCh38, 1-based): chr22:28,695,890, A>G on the plus strand (T>C on the coding strand, the complement: CHEK2 is on the minus strand). VCF-style: chr22-28695890-A-G. GRCh37 (hg19) VCF-style: chr22-29091878-A-G.
Other names: c.433-17T>C (NM_001437942.1, NM_001257387.3); c.895-17T>C (NM_001349956.3); c.1009-17T>C (NM_145862.3); c.1102-17T>C (NM_001438295.1); c.1189-17T>C (NM_001438293.1); c.1138-17T>C (NM_001438294.1); c.1225-17T>C (NM_001005735.3).
Identifiers: ClinVar variation 2157322 (VCV002157322.5), dbSNP rs2517811360, ClinGen allele CA2577675912.